The following is an entry in ClinVar:

ClinVar aggregate classification (germline): Likely benign. Review status: criteria provided, multiple submitters, no conflicts (2 of 4 stars). 2 submissions from 2 submitters: Likely benign (2). Last evaluated 2024-12-10.

Conditions:
PCLO-related disorder. Also called: PCLO-related condition.

Allele frequency attached by ClinVar (database versions not stated): gnomAD 0.00001; gnomAD exomes 0.00002; TOPMed 0.00002.
gnomAD v4.1: 24 of 1,611,724 alleles (0.0015%); highest among the groups gnomAD compares: Non-Finnish European, 0.002%; no homozygotes.

Submissions (2):

Labcorp Genetics (formerly Invitae), Labcorp
Classification: Likely benign. Last evaluated: 2024-12-10. Review status: criteria provided, single submitter. Criteria: Invitae Variant Classification Sherloc (09022015). Collection method: clinical testing. Allele origin: germline.

PreventionGenetics, part of Exact Sciences
Classification: Likely benign for PCLO-related condition. Last evaluated: 2019-03-28. Review status: criteria provided, single submitter. Criteria: ACMG Guidelines, 2015. Collection method: clinical testing. Allele origin: germline.
Comment: This variant is classified as likely benign based on ACMG/AMP sequence variant interpretation guidelines (Richards et al. 2015 PMID: 25741868, with internal and published modifications).

NM_033026.6(PCLO):c.3207T>G (p.Gly1069=)

Gene: PCLO (piccolo presynaptic cytomatrix protein; minus strand). Cytogenetic location: 7q21.11.
Variant type: single nucleotide variant.
Coding change: c.3207T>G on transcript NM_033026.6 (MANE Select); coding-DNA position 3207, T replaced by G.
Protein change: p.Gly1069=; no amino-acid change (glycine 1069 retained).
Molecular consequence: synonymous variant.
Genome position (GRCh38, 1-based): chr7:83,134,343, A>C on the plus strand (T>G on the coding strand, the complement: PCLO is on the minus strand). VCF-style: chr7-83134343-A-C. GRCh37 (hg19) VCF-style: chr7-82763659-A-C.
Other names: c.3207T>G (NM_033026.5); c.3207T>G, p.Gly1069= (NM_014510.3).
Identifiers: ClinVar variation 2975625 (VCV002975625.4), dbSNP rs767029850, ClinGen allele CA4321121.